The following is an entry in ClinVar:

ClinVar aggregate classification (germline): Benign/Likely benign. Review status: criteria provided, multiple submitters, no conflicts (2 of 4 stars). 5 submissions from 5 submitters: Benign (1); Likely benign (4). Last evaluated 2025-07-30.

Allele frequency attached by ClinVar (database versions not stated): gnomAD 0.00005 and 0.00006; ESP Exome Variant Server 0.00008; TOPMed 0.00012.
gnomAD v4.1: 293 of 1,612,346 alleles (0.018%); highest among the groups gnomAD compares: Non-Finnish European, 0.023%; no homozygotes.

Submissions (5):

Mayo Clinic Laboratories, Mayo Clinic
Classification: Likely benign. Last evaluated: 2025-07-30. Review status: criteria provided, single submitter. Criteria: ACMG Guidelines, 2015. Collection method: clinical testing. Allele origin: germline. Observed: 3 variant alleles.
Comment: BS2, BP4, BP7

Labcorp Genetics (formerly Invitae), Labcorp
Classification: Likely benign. Last evaluated: 2025-05-07. Review status: criteria provided, single submitter. Criteria: Invitae Variant Classification Sherloc (09022015). Collection method: clinical testing. Allele origin: germline.

Blueprint Genetics
Classification: Likely benign. Last evaluated: 2024-06-05. Review status: criteria provided, single submitter. Criteria: ACMG Guidelines, 2015. Collection method: clinical testing. Allele origin: germline.

ARUP Laboratories, Molecular Genetics and Genomics, ARUP Laboratories
Classification: Likely benign. Last evaluated: 2020-03-03. Review status: criteria provided, single submitter. Criteria: ARUP Molecular Germline Variant Investigation Process. Collection method: clinical testing. Allele origin: germline.

Athena Diagnostics
Classification: Benign. Last evaluated: 2018-06-27. Review status: criteria provided, single submitter. Criteria: Athena Diagnostics Criteria. Collection method: clinical testing. Allele origin: germline.

NM_000435.3(NOTCH3):c.1840+8C>T

Gene: NOTCH3 (notch receptor 3; minus strand). Cytogenetic location: 19p13.12.
Variant type: single nucleotide variant.
Coding change: c.1840+8C>T on transcript NM_000435.3 (MANE Select); 8 bases into the intron after coding-DNA position 1840, C replaced by T.
Molecular consequence: intron variant.
Genome position (GRCh38, 1-based): chr19:15,187,097, G>A on the plus strand (C>T on the coding strand, the complement: NOTCH3 is on the minus strand). VCF-style: chr19-15187097-G-A. GRCh37 (hg19) VCF-style: chr19-15297908-G-A.
Other names: p.?.
Identifiers: ClinVar variation 447800 (VCV000447800.22), dbSNP rs372100017, ClinGen allele CA9263536.